The following is an entry in ClinVar:

NM_020232.5(PSMG2):c.295_298del (p.Lys100fs)

Gene: PSMG2 (proteasome assembly chaperone 2; plus strand). Cytogenetic location: 18p11.21.
Variant type: Deletion.
Coding change: c.295_298del on transcript NM_020232.5 (MANE Select); coding-DNA positions 295 to 298, 4 bases deleted (TCAA; older notation c.295_298delTCAA).
Protein change: p.Lys100fs; shifts the reading frame from lysine 100.
Molecular consequence: frameshift variant.
Genome position (GRCh38, 1-based): chr18:12,718,523-12,718,526, TCAA deleted; deleting any 4 consecutive bases within chr18:12,718,521-12,718,526 gives the same sequence; the c. name uses the placement nearest the transcript's 3' end. VCF-style (leftmost placement, unchanged base first): chr18-12718520-AAATC-A. GRCh37 (hg19) VCF-style: chr18-12718519-AAATC-A.
Other names: c.202_205del, p.Lys69fs (NM_147163.2); short protein forms K100fs, K69fs.
Identifiers: ClinVar variation 2990078 (VCV002990078.3), dbSNP rs2510995199, ClinGen allele CA2740093968.

ClinVar aggregate classification (germline): Uncertain significance (1 of 4 stars; one submission).

Submission:

Labcorp Genetics (formerly Invitae), Labcorp
Classification: Uncertain significance. Last evaluated: 2022-12-09. Review status: criteria provided, single submitter. Criteria: Invitae Variant Classification Sherloc (09022015). Collection method: clinical testing. Allele origin: germline.
Comment: In summary, the available evidence is currently insufficient to determine the role of this variant in disease. Therefore, it has been classified as a Variant of Uncertain Significance. This variant has not been reported in the literature in individuals affected with PSMG2-related conditions. This variant is not present in population databases (gnomAD no frequency). This sequence change creates a premature translational stop signal (p.Lys100Hisfs*10) in the PSMG2 gene. It is expected to result in an absent or disrupted protein product. However, the current clinical and genetic evidence is not sufficient to establish whether loss-of-function variants in PSMG2 cause disease.